The following is an entry in ClinVar:

ClinVar aggregate classification (germline): Uncertain significance (1 of 4 stars; one submission).

Conditions:
Glucose-6-phosphate transport defect (GSD1B). Also called: Glycogen Storage Disease Type Ib; GSD Ib. Identifiers: Orphanet 364, Orphanet 79259, MedGen C0268146, MONDO:0009288, OMIM 232220.

Submission:

Labcorp Genetics (formerly Invitae), Labcorp
Classification: Uncertain significance for Glucose-6-phosphate transport defect. Last evaluated: 2025-07-30. Review status: criteria provided, single submitter. Criteria: Invitae Variant Classification Sherloc (09022015). Collection method: clinical testing. Allele origin: germline.
Comment: This sequence change replaces isoleucine, which is neutral and non-polar, with methionine, which is neutral and non-polar, at codon 42 of the SLC37A4 protein (p.Ile42Met). This variant is not present in population databases (gnomAD no frequency). This variant has not been reported in the literature in individuals affected with SLC37A4-related conditions. Invitae Evidence Modeling of protein sequence and biophysical properties (such as structural, functional, and spatial information, amino acid conservation, physicochemical variation, residue mobility, and thermodynamic stability) indicates that this missense variant is not expected to disrupt SLC37A4 protein function with a negative predictive value of 80%. In summary, the available evidence is currently insufficient to determine the role of this variant in disease. Therefore, it has been classified as a Variant of Uncertain Significance.

NM_001164277.2(SLC37A4):c.126C>G (p.Ile42Met)

Gene: SLC37A4 (solute carrier family 37 member 4; minus strand). Cytogenetic location: 11q23.3.
Variant type: single nucleotide variant.
Coding change: c.126C>G on transcript NM_001164277.2 (MANE Select); coding-DNA position 126, C replaced by G.
Protein change: p.Ile42Met; replaces isoleucine 42 with methionine.
Molecular consequence: missense variant. On other transcripts: intron variant (1).
Genome position (GRCh38, 1-based): chr11:119,029,244, G>C on the plus strand (C>G on the coding strand, the complement: SLC37A4 is on the minus strand). VCF-style: chr11-119029244-G-C. GRCh37 (hg19) VCF-style: chr11-118899954-G-C.
Other names: c.126C>G, p.Ile42Met (NM_001164278.2, NM_001164280.2, NM_001467.6); c.-172+148C>G (NM_001164279.2); short protein forms I42M.
Identifiers: ClinVar variation 4743841 (VCV004743841.1).